The following is an entry in ClinVar:

ClinVar aggregate classification (germline): Uncertain significance (1 of 4 stars; one submission).

Conditions:
Ataxia-telangiectasia syndrome (AT). Also called: ATAXIA-TELANGIECTASIA, COMPLEMENTATION GROUP A; ATAXIA-TELANGIECTASIA, FRESNO VARIANT; Ataxia-telangiectasia; Ataxia-telangiectasia, complementation group E; Ataxia telangiectasia (A-T); LOUIS-BAR SYNDROME. Identifiers: Orphanet 100, MedGen C0004135, MONDO:0008840, OMIM 208900.

Submission:

Labcorp Genetics (formerly Invitae), Labcorp
Classification: Uncertain significance for Ataxia-telangiectasia syndrome. Last evaluated: 2024-10-02. Review status: criteria provided, single submitter. Criteria: Invitae Variant Classification Sherloc (09022015). Collection method: clinical testing. Allele origin: germline.
Comment: This sequence change replaces leucine, which is neutral and non-polar, with proline, which is neutral and non-polar, at codon 1590 of the ATM protein (p.Leu1590Pro). This variant is not present in population databases (gnomAD no frequency). This variant has not been reported in the literature in individuals affected with ATM-related conditions. An algorithm developed to predict the effect of missense changes on protein structure and function (PolyPhen-2) suggests that this variant is likely to be disruptive. In summary, the available evidence is currently insufficient to determine the role of this variant in disease. Therefore, it has been classified as a Variant of Uncertain Significance.

NM_000051.4(ATM):c.4769T>C (p.Leu1590Pro)

Gene: ATM (ATM serine/threonine kinase; plus strand). Cytogenetic location: 11q22.3.
Variant type: single nucleotide variant.
Coding change: c.4769T>C on transcript NM_000051.4 (MANE Select); coding-DNA position 4769, T replaced by C.
Protein change: p.Leu1590Pro; replaces leucine 1590 with proline.
Molecular consequence: missense variant.
Genome position (GRCh38, 1-based): chr11:108,293,470, T>C. VCF-style: chr11-108293470-T-C. GRCh37 (hg19) VCF-style: chr11-108164197-T-C.
Other names: c.4769T>C, p.Leu1590Pro (NM_001351834.2); short protein forms L1590P.
Identifiers: ClinVar variation 3720458 (VCV003720458.2).
Genomic context (GRCh38, chr11:108,293,470, plus strand): 5'-TTTTTAAGGATTTGCGTATTACTCAGCAAAAAATCAAATACAGTAGAGGACCCTTTTCAC[T>C]CTTGGAGGTAATAAAAATTTCATCATCTACTATTTTTTATTAGAGAACATAGTAGTACTT-3'
Protein context (NP_000042.3, residues 1580-1600): KIKYSRGPFS[Leu1590Pro]LEEINHFLSV